The following is an entry in ClinVar:

NM_201384.3(PLEC):c.9926G>A (p.Arg3309His)

Gene: PLEC (plectin; minus strand). Cytogenetic location: 8q24.3.
Variant type: single nucleotide variant.
Coding change: c.9926G>A on transcript NM_201384.3 (MANE Select); coding-DNA position 9926, G replaced by A.
Protein change: p.Arg3309His; replaces arginine 3309 with histidine.
Molecular consequence: missense variant.
Genome position (GRCh38, 1-based): chr8:143,919,895, C>T on the plus strand (G>A on the coding strand, the complement: PLEC is on the minus strand). VCF-style: chr8-143919895-C-T. GRCh37 (hg19) VCF-style: chr8-144994063-C-T.
Other names: c.10007G>A, p.Arg3336His (NM_000445.5); c.9884G>A, p.Arg3295His (NM_201378.4); c.9860G>A, p.Arg3287His (NM_201379.3); c.10337G>A, p.Arg3446His (NM_201380.4); c.9830G>A, p.Arg3277His (NM_201381.3); c.9926G>A, p.Arg3309His (NM_201382.4); c.9938G>A, p.Arg3313His (NM_201383.3); short protein forms R3277H, R3287H, R3295H, R3309H, R3313H, R3336H, R3446H.
Identifiers: ClinVar variation 497016 (VCV000497016.40), dbSNP rs201369301, ClinGen allele CA4924812.
Genomic context (GRCh38, chr8:143,919,895, plus strand): 5'-TCAAACTGGGCTCTGCTGAGGACCCCGGAAGCCAGGAGCTCGCTGGCTGGCACAGGGGCA[C>T]GGAGGCCGCTGAAGGACAGCCTCTCCTGCCGCAGGGTCTCCACCTCCTCCACGATGGTAA-3'
Protein context (NP_958786.1, residues 3299-3319): RQERLSFSGL[Arg3309His]APVPASELLA

ClinVar aggregate classification (germline): Conflicting classifications of pathogenicity. Review status: criteria provided, conflicting classifications (1 of 4 stars). 5 submissions from 5 submitters: Uncertain significance (3); Likely benign (2). Last evaluated 2026-01-19.

Conditions:
Epidermolysis bullosa simplex 5C, with pyloric atresia (EBS5C). Also called: PLEC-Related Epidermolysis Bullosa with Pyloric Atresia; Epidermolysis bullosa simplex with pyloric atresia; PLEC1-Related Epidermolysis Bullosa with Pyloric Atresia. Identifiers: Orphanet 158684, MedGen C2677349, MONDO:0012807, OMIM 612138.
Epidermolysis bullosa simplex 5B, with muscular dystrophy (EBS5B). Also called: EPIDERMOLYSIS BULLOSA SIMPLEX AND LIMB-GIRDLE MUSCULAR DYSTROPHY; Epidermolysis bullosa simplex with muscular dystrophy. Identifiers: Orphanet 257, MedGen C2931072, MONDO:0009181, OMIM 226670.
Autosomal recessive limb-girdle muscular dystrophy type 2Q (LGMDR17). Also called: MUSCULAR DYSTROPHY, LIMB-GIRDLE, AUTOSOMAL RECESSIVE 17. Identifiers: Orphanet 254361, MedGen C3150989, MONDO:0013390, OMIM 613723.
Epidermolysis bullosa simplex with nail dystrophy (EBS5D). Identifiers: MedGen C4225309, MONDO:0014661, OMIM 616487.
Epidermolysis bullosa simplex, Ogna type (EBS5A). Also called: Pidermolysis bullosa simplex 5A, Ogna type; EPIDERMOLYSIS BULLOSA SIMPLEX 5A, OGNA TYPE. Identifiers: Orphanet 79401, MedGen C0432317, MONDO:0007555, OMIM 131950.
PLEC-related disorder. Also called: PLEC-related disorders; PLEC-related condition.

Allele frequency attached by ClinVar (database versions not stated): gnomAD exomes 0.00011 and 0.00027; ESP Exome Variant Server 0.00072; gnomAD 0.00090 and 0.00093; TOPMed 0.00102; 1000 Genomes Project 0.00140; ExAC 0.00030; 1000 Genomes Project 30x 0.00219.
gnomAD v4.1: 303 of 1,613,102 alleles (0.019%); highest among the groups gnomAD compares: African/African-American, 0.31%; 3 homozygotes.

Submissions (5):

Labcorp Genetics (formerly Invitae), Labcorp
Classification: Likely benign for Autosomal recessive limb-girdle muscular dystrophy type 2Q; Epidermolysis bullosa simplex, Ogna type; Epidermolysis bullosa simplex with nail dystrophy; Epidermolysis bullosa simplex 5C, with pyloric atresia; Epidermolysis bullosa simplex 5B, with muscular dystrophy. Last evaluated: 2026-01-19. Review status: criteria provided, single submitter. Criteria: Invitae Variant Classification Sherloc (09022015). Collection method: clinical testing. Allele origin: germline.

PreventionGenetics, part of Exact Sciences
Classification: Likely benign for PLEC-related condition. Last evaluated: 2025-12-29. Review status: criteria provided, single submitter. Criteria: ACMG Guidelines, 2015. Collection method: clinical testing. Allele origin: germline.
Comment: This variant is classified as likely benign based on ACMG/AMP sequence variant interpretation guidelines (Richards et al. 2015 PMID: 25741868, with internal and published modifications).

CeGaT Center for Human Genetics Tuebingen
Classification: Uncertain significance. Last evaluated: 2023-10-01. Review status: criteria provided, single submitter. Criteria: CeGaT Center For Human Genetics Tuebingen Variant Classification Criteria Version 2. Collection method: clinical testing. Allele origin: germline. Affected: yes. Observed: 1 variant allele.

Athena Diagnostics
Classification: Uncertain significance. Last evaluated: 2018-10-29. Review status: criteria provided, single submitter. Criteria: Athena Diagnostics Criteria. Collection method: clinical testing. Allele origin: germline.

Eurofins Ntd Llc (ga)
Classification: Uncertain significance. Last evaluated: 2017-06-05. Review status: criteria provided, single submitter. Criteria: EGL Classification Definitions 2015. Collection method: clinical testing. Allele origin: germline. Observed: 5 variant alleles, 5 heterozygotes.